The following is an entry in ClinVar:

ClinVar aggregate classification (germline): Uncertain significance (1 of 4 stars; one submission).

Conditions:
Early-infantile DEE. Also called: Ohtahara syndrome; Early infantile epileptic encephalopathy with suppression bursts; Early infantile epileptic encephalopathy. Identifiers: Orphanet 1934, MedGen C0393706, MONDO:0800491.

Submission:

Labcorp Genetics (formerly Invitae), Labcorp
Classification: Uncertain significance for Early-infantile DEE. Last evaluated: 2020-05-04. Review status: criteria provided, single submitter. Criteria: Invitae Variant Classification Sherloc (09022015). Collection method: clinical testing. Allele origin: germline.
Comment: This sequence change replaces aspartic acid with tyrosine at codon 1046 of the SCN1A protein (p.Asp1046Tyr). The aspartic acid residue is highly conserved and there is a large physicochemical difference between aspartic acid and tyrosine. This variant is not present in population databases (ExAC no frequency). This variant has not been reported in the literature in individuals with SCN1A-related conditions. Algorithms developed to predict the effect of missense changes on protein structure and function (SIFT, PolyPhen-2, Align-GVGD) all suggest that this variant is likely to be disruptive, but these predictions have not been confirmed by published functional studies and their clinical significance is uncertain. In summary, the available evidence is currently insufficient to determine the role of this variant in disease. Therefore, it has been classified as a Variant of Uncertain Significance.

NM_001165963.4(SCN1A):c.3136G>T (p.Asp1046Tyr)

Genes: SCN1A (sodium voltage-gated channel alpha subunit 1; minus strand), LOC102724058 (uncharacterized LOC102724058; plus strand). Cytogenetic location: 2q24.3.
Variant type: single nucleotide variant.
Coding change: c.3136G>T on transcript NM_001165963.4 (MANE Select); coding-DNA position 3136, G replaced by T.
Protein change: p.Asp1046Tyr; replaces aspartic acid 1046 with tyrosine.
Molecular consequence: missense variant. On other transcripts: non-coding transcript variant (2).
Genome position (GRCh38, 1-based): chr2:166,036,341, C>A on the plus strand (G>T on the coding strand, the complement: SCN1A is on the minus strand). VCF-style: chr2-166036341-C-A. GRCh37 (hg19) VCF-style: chr2-166892851-C-A.
Other names: c.3052G>T, p.Asp1018Tyr (NM_001165964.3, NM_001353957.2, NM_001353958.2); c.3136G>T, p.Asp1046Tyr (NM_001202435.3, NM_001353948.2); c.3103G>T, p.Asp1035Tyr (NM_001353949.2, NM_001353950.2, NM_001353951.2 and 2 more transcripts); c.3100G>T, p.Asp1034Tyr (NM_001353954.2, NM_001353955.2); c.3049G>T, p.Asp1017Tyr (NM_001353960.2); c.694G>T, p.Asp232Tyr (NM_001353961.2); short protein forms D1017Y, D1018Y, D1034Y, D1035Y, D1046Y, D232Y.
Identifiers: ClinVar variation 1014161 (VCV001014161.9), dbSNP rs1696366603, ClinGen allele CA349059842.